The following is an entry in ClinVar:

NM_001909.5(CTSD):c.972+6C>T

Gene: CTSD (cathepsin D; minus strand). Cytogenetic location: 11p15.5.
Variant type: single nucleotide variant.
Coding change: c.972+6C>T on transcript NM_001909.5 (MANE Select); 6 bases into the intron after coding-DNA position 972, C replaced by T.
Molecular consequence: intron variant.
Genome position (GRCh38, 1-based): chr11:1,753,988, G>A on the plus strand (C>T on the coding strand, the complement: CTSD is on the minus strand). VCF-style: chr11-1753988-G-A. GRCh37 (hg19) VCF-style: chr11-1775218-G-A.
Identifiers: ClinVar variation 1383164 (VCV001383164.3), dbSNP rs765320531, ClinGen allele CA5813984.

ClinVar aggregate classification (germline): Uncertain significance (1 of 4 stars; one submission).

Conditions:
Neuronal ceroid lipofuscinosis. Also called: Neuronal Ceroid Lipofuscinoses. Identifiers: Orphanet 216, Orphanet 79263, MedGen C0027877, MONDO:0016295. Disease mechanism: loss of function.

Allele frequency attached by ClinVar (database versions not stated): ExAC 0.00001; gnomAD exomes 0.00001.
gnomAD v4.1: 7 of 1,597,386 alleles (0.00044%); highest among the groups gnomAD compares: South Asian, 0.0011%; no homozygotes.

Submission:

Labcorp Genetics (formerly Invitae), Labcorp
Classification: Uncertain significance for Neuronal ceroid lipofuscinosis. Last evaluated: 2021-10-15. Review status: criteria provided, single submitter. Criteria: Invitae Variant Classification Sherloc (09022015). Collection method: clinical testing. Allele origin: germline.
Comment: This sequence change falls in intron 7 of the CTSD gene. It does not directly change the encoded amino acid sequence of the CTSD protein. It affects a nucleotide within the consensus splice site. The frequency data for this variant in the population databases is considered unreliable, as metrics indicate poor data quality at this position in the ExAC database. This variant has not been reported in the literature in individuals affected with CTSD-related conditions. Variants that disrupt the consensus splice site are a relatively common cause of aberrant splicing (PMID: 17576681, 9536098). Algorithms developed to predict the effect of sequence changes on RNA splicing suggest that this variant is not likely to affect RNA splicing. In summary, the available evidence is currently insufficient to determine the role of this variant in disease. Therefore, it has been classified as a Variant of Uncertain Significance.

Literature cited by the submitters: PubMed 17576681; PubMed 9536098.